The following is an entry in ClinVar:

ClinVar aggregate classification (germline): Uncertain significance (1 of 4 stars; one submission).

Conditions:
Joubert syndrome. Also called: CEREBELLOPARENCHYMAL DISORDER IV; JOUBERT-BOLTSHAUSER SYNDROME; Familial aplasia of the vermis. Identifiers: Orphanet 475, MedGen C5979921, MONDO:0018772.
Meckel-Gruber syndrome. Also called: DYSENCEPHALIA SPLANCHNOCYSTICA; GRUBER SYNDROME; Dysencephalia splachnocystica. Identifiers: Orphanet 564, MedGen C0265215, MONDO:0018921.

Submission:

Labcorp Genetics (formerly Invitae), Labcorp
Classification: Uncertain significance for Joubert syndrome; Meckel-Gruber syndrome. Last evaluated: 2022-07-06. Review status: criteria provided, single submitter. Criteria: Invitae Variant Classification Sherloc (09022015). Collection method: clinical testing. Allele origin: germline.
Comment: This variant results in a copy number gain of the genomic region encompassing exon(s) 23 of the RPGRIP1L gene. While the exact position of this variant cannot be determined from the data, sub-genic copy number gains are generally in tandem (PMID: 25640679). This variant is predicted to be in-frame, and likely preserves the integrity of the reading frame. This variant has not been reported in the literature in individuals affected with RPGRIP1L-related conditions. In summary, the available evidence is currently insufficient to determine the role of this variant in disease. Therefore, it has been classified as a Variant of Uncertain Significance.

Literature cited by the submitters: PubMed 25640679.

NC_000016.9:g.(?_53656111)_(53656288_?)dup

Gene: RPGRIP1L (RPGRIP1 like; minus strand). Cytogenetic location: 16q12.2.
Variant type: Duplication.
Identifiers: ClinVar variation 2426122 (VCV002426122.5).